The following is an entry in ClinVar:

NM_003183.6(ADAM17):c.1754A>T (p.Glu585Val)

Genes: ADAM17 (ADAM metallopeptidase domain 17; minus strand), IAH1 (isoamyl acetate hydrolyzing esterase 1 (putative); plus strand). Cytogenetic location: 2p25.1.
Variant type: single nucleotide variant.
Coding change: c.1754A>T on transcript NM_003183.6 (MANE Select); coding-DNA position 1754, A replaced by T.
Protein change: p.Glu585Val; replaces glutamic acid 585 with valine.
Molecular consequence: missense variant.
Genome position (GRCh38, 1-based): chr2:9,497,143, T>A on the plus strand (A>T on the coding strand, the complement: ADAM17 is on the minus strand). VCF-style: chr2-9497143-T-A. GRCh37 (hg19) VCF-style: chr2-9637272-T-A.
Other names: c.1094A>T, p.Glu365Val (NM_001382777.1); c.857A>T, p.Glu286Val (NM_001382778.1); short protein forms E286V, E365V, E585V.
Identifiers: ClinVar variation 2080743 (VCV002080743.4), dbSNP rs1320627866, ClinGen allele CA345775641.

ClinVar aggregate classification (germline): Uncertain significance (1 of 4 stars; one submission).

Conditions:
Inflammatory skin and bowel disease, neonatal, 1. Identifiers: Orphanet 294023, MedGen C3280501, MONDO:0013693, OMIM 614328.

Submission:

Labcorp Genetics (formerly Invitae), Labcorp
Classification: Uncertain significance for Inflammatory skin and bowel disease, neonatal, 1. Last evaluated: 2023-08-10. Review status: criteria provided, single submitter. Criteria: Invitae Variant Classification Sherloc (09022015). Collection method: clinical testing. Allele origin: germline.
Comment: This variant has not been reported in the literature in individuals affected with ADAM17-related conditions. This variant is not present in population databases (gnomAD no frequency). This sequence change replaces glutamic acid, which is acidic and polar, with valine, which is neutral and non-polar, at codon 585 of the ADAM17 protein (p.Glu585Val). ClinVar contains an entry for this variant (Variation ID: 2080743). In summary, the available evidence is currently insufficient to determine the role of this variant in disease. Therefore, it has been classified as a Variant of Uncertain Significance. An algorithm developed to predict the effect of missense changes on protein structure and function (PolyPhen-2) suggests that this variant is likely to be tolerated.